The following is an entry in ClinVar:

NM_014516.4(CNOT3):c.1046C>T (p.Pro349Leu)

Gene: CNOT3 (CCR4-NOT transcription complex subunit 3; plus strand). Cytogenetic location: 19q13.42.
Variant type: single nucleotide variant.
Coding change: c.1046C>T on transcript NM_014516.4 (MANE Select); coding-DNA position 1046, C replaced by T.
Protein change: p.Pro349Leu; replaces proline 349 with leucine.
Molecular consequence: missense variant.
Genome position (GRCh38, 1-based): chr19:54,148,299, C>T. VCF-style: chr19-54148299-C-T. GRCh37 (hg19) VCF-style: chr19-54652034-C-T.
Other names: short protein forms P349L.
Identifiers: ClinVar variation 2777652 (VCV002777652.3), dbSNP rs1442130119, ClinGen allele CA407763617.

ClinVar aggregate classification (germline): Uncertain significance (1 of 4 stars; one submission).

Allele frequency attached by ClinVar (database versions not stated): gnomAD 0.00001; TOPMed 0.00001.
gnomAD v4.1: 2 of 1,608,710 alleles (0.00012%); highest among the groups gnomAD compares: Non-Finnish European, 0.00017%; no homozygotes.

Submission:

Labcorp Genetics (formerly Invitae), Labcorp
Classification: Uncertain significance. Last evaluated: 2025-04-19. Review status: criteria provided, single submitter. Criteria: Invitae Variant Classification Sherloc (09022015). Collection method: clinical testing. Allele origin: germline.
Comment: This sequence change replaces proline, which is neutral and non-polar, with leucine, which is neutral and non-polar, at codon 349 of the CNOT3 protein (p.Pro349Leu). This variant is not present in population databases (gnomAD no frequency). This variant has not been reported in the literature in individuals affected with CNOT3-related conditions. ClinVar contains an entry for this variant (Variation ID: 2777652). An algorithm developed to predict the effect of missense changes on protein structure and function (PolyPhen-2) suggests that this variant is likely to be tolerated. In summary, the available evidence is currently insufficient to determine the role of this variant in disease. Therefore, it has been classified as a Variant of Uncertain Significance.